The following is an entry in ClinVar:

NM_001008537.3(NEXMIF):c.991del (p.Glu331fs)

Gene: NEXMIF (neurite extension and migration factor; minus strand). Cytogenetic location: Xq13.3.
Variant type: Deletion.
Coding change: c.991del on transcript NM_001008537.3 (MANE Select); coding-DNA position 991, one base deleted (G; older notation c.991delG).
Protein change: p.Glu331fs; shifts the reading frame from glutamic acid 331.
Molecular consequence: frameshift variant.
Genome position (GRCh38, 1-based): chrX:74,743,566, C deleted on the plus strand (G on the coding strand, the reverse complement: NEXMIF is on the minus strand); the first of 2 consecutive C bases (chrX:74,743,566-74,743,567); deleting either gives the same sequence. VCF-style (leftmost placement, unchanged base first): chrX-74743565-TC-T. GRCh37 (hg19) VCF-style: chrX-73963400-TC-T.
Other names: short protein forms E331fs.
Identifiers: ClinVar variation 504323 (VCV000504323.2), dbSNP rs1556016724, ClinGen allele CA658799802.

ClinVar aggregate classification (germline): Pathogenic (1 of 4 stars; one submission).

Submission:

GeneDx
Classification: Pathogenic. Last evaluated: 2018-02-08. Review status: criteria provided, single submitter. Criteria: GeneDx Variant Classification (06012015). Collection method: clinical testing. Allele origin: germline. Affected: yes.
Comment: The c.991delG variant in the KIAA2022 gene has not been reported previously as a pathogenic variant nor as a benign variant, to our knowledge. The c.991delG variant causes a frameshift starting with codon Glutamine 331, changes this amino acid to a Lysine residue, and creates a premature Stop codon at position 25 of the new reading frame, denoted p.Glu331LysfsX25. This variant is predicted to cause loss of normal protein function either through protein truncation or nonsense-mediated mRNA decay. The c.991delG variant is not observed in large population cohorts (Lek et al., 2016). We interpret c.991delG as a pathogenic variant.